The following is an entry in ClinVar:

NM_139057.4(ADAMTS17):c.*2352C>G

Gene: ADAMTS17 (ADAM metallopeptidase with thrombospondin type 1 motif 17; minus strand). Cytogenetic location: 15q26.3.
Variant type: single nucleotide variant.
Coding change: c.*2352C>G on transcript NM_139057.4 (MANE Select); 2352 bases downstream of the stop codon, C replaced by G.
Molecular consequence: 3 prime UTR variant.
Genome position (GRCh38, 1-based): chr15:99,972,050, G>C on the plus strand (C>G on the coding strand, the complement: ADAMTS17 is on the minus strand). VCF-style: chr15-99972050-G-C. GRCh37 (hg19) VCF-style: chr15-100512255-G-C.
Identifiers: ClinVar variation 315148 (VCV000315148.5), dbSNP rs138578029, ClinGen allele CA10646838.

ClinVar aggregate classification (germline): Benign (1 of 4 stars; one submission).

Conditions:
Weill-Marchesani 4 syndrome, recessive. Also called: Weill-Marchesani syndrome 4. Identifiers: Orphanet 363992, MedGen C2750787, MONDO:0013176, OMIM 613195.

Allele frequency attached by ClinVar (database versions not stated): gnomAD exomes 0.00806; gnomAD 0.00886 and 0.00953; 1000 Genomes Project 0.00938; 1000 Genomes Project 30x 0.00953; TOPMed 0.00994.
gnomAD v4.1: 1,331 of 152,324 alleles (0.87%); highest among the groups gnomAD compares: African/African-American, 3%; 24 homozygotes.

Submission:

Illumina Laboratory Services, Illumina
Classification: Benign for Weill-Marchesani 4 syndrome, recessive. Last evaluated: 2018-01-12. Review status: criteria provided, single submitter. Criteria: ICSL Variant Classification Criteria 13 December 2019. Collection method: clinical testing. Allele origin: germline.
Comment: This variant was observed in the ICSL laboratory as part of a predisposition screen in an ostensibly healthy population. It had not been previously curated by ICSL or reported in the Human Gene Mutation Database (HGMD: prior to June 1st, 2018), and was therefore a candidate for classification through an automated scoring system. Utilizing variant allele frequency, disease prevalence and penetrance estimates, and inheritance mode, an automated score was calculated to assess if this variant is too frequent to cause the disease. Based on the score and internal cut-off values, a variant classified as benign is not then subjected to further curation. The score for this variant resulted in a classification of benign for this disease.